The following is an entry in ClinVar:

ClinVar aggregate classification (germline): Uncertain significance (1 of 4 stars; one submission).

Conditions:
MBTPS1-related disorder. Also called: MBTPS1-related condition.

gnomAD v4.1: 8 of 1,613,058 alleles (0.0005%); highest among the groups gnomAD compares: South Asian, 0.0011%; no homozygotes.

Submission:

PreventionGenetics, part of Exact Sciences
Classification: Uncertain significance for MBTPS1-related condition. Last evaluated: 2025-01-18. Review status: criteria provided, single submitter. Criteria: ACMG Guidelines, 2015. Collection method: clinical testing. Allele origin: germline.
Comment: The MBTPS1 c.3109C>T variant is predicted to result in the amino acid substitution p.Arg1037Cys. To our knowledge, this variant has not been reported in the literature. This variant is reported in 0.0066% of alleles in individuals of South Asian descent in gnomAD. At this time, the clinical significance of this variant is uncertain due to the absence of conclusive functional and genetic evidence.

NM_003791.4(MBTPS1):c.3109C>T (p.Arg1037Cys)

Gene: MBTPS1 (membrane bound transcription factor peptidase, site 1; minus strand). Cytogenetic location: 16q23.3.
Variant type: single nucleotide variant.
Coding change: c.3109C>T on transcript NM_003791.4 (MANE Select); coding-DNA position 3109, C replaced by T.
Protein change: p.Arg1037Cys; replaces arginine 1037 with cysteine.
Molecular consequence: missense variant.
Genome position (GRCh38, 1-based): chr16:84,054,499, G>A on the plus strand (C>T on the coding strand, the complement: MBTPS1 is on the minus strand). VCF-style: chr16-84054499-G-A. GRCh37 (hg19) VCF-style: chr16-84088104-G-A.
Other names: short protein forms R1037C.
Identifiers: ClinVar variation 4986346 (VCV004986346.1).